The following is an entry in ClinVar:

ClinVar aggregate classification (germline): Benign/Likely benign. Review status: criteria provided, multiple submitters, no conflicts (2 of 4 stars). 5 submissions from 5 submitters: Benign (1); Likely benign (4). Last evaluated 2025-11-23.

Conditions:
POLD1-related polyposis and colorectal cancer syndrome (CRCS10). Also called: Colorectal cancer, susceptibility to, 10; Colorectal cancer 10; COLORECTAL CANCER, SUSCEPTIBILITY TO, ON CHROMOSOME 19q. Identifiers: Orphanet 220460, MedGen C2675481, MONDO:0012953, OMIM 612591.
Hereditary cancer-predisposing syndrome. Also called: Neoplastic Syndromes, Hereditary; Hereditary neoplastic syndrome; Hereditary Cancer Syndrome; Tumor predisposition. Identifiers: Orphanet 140162, MedGen C0027672, MeSH D009386, MONDO:0015356.

Allele frequency attached by ClinVar (database versions not stated): gnomAD exomes 0.00001 and 0.00003; gnomAD 0.00002 and 0.00003; TOPMed 0.00002.
gnomAD v4.1: 40 of 1,593,204 alleles (0.0025%); highest among the groups gnomAD compares: African/African-American, 0.0054%; no homozygotes.

Submissions (5):

Labcorp Genetics (formerly Invitae), Labcorp
Classification: Likely benign for POLD1-related polyposis and colorectal cancer syndrome. Last evaluated: 2025-11-23. Review status: criteria provided, single submitter. Criteria: Invitae Variant Classification Sherloc (09022015). Collection method: clinical testing. Allele origin: germline.

Myriad Genetics, Inc.
Classification: Benign for POLD1-related polyposis and colorectal cancer syndrome. Last evaluated: 2025-02-06. Review status: criteria provided, single submitter. Criteria: Myriad Autosomal Dominant, Autosomal Recessive and X-Linked Classification Criteria (2023). Collection method: clinical testing. Allele origin: unknown.
Comment: This variant is considered benign. This variant is a silent/synonymous amino acid change and it is not expected to impact splicing.

Women's Health and Genetics/Laboratory Corporation of America, LabCorp
Classification: Likely benign. Last evaluated: 2021-06-27. Review status: criteria provided, single submitter. Criteria: LabCorp Variant Classification Summary - May 2015. Collection method: clinical testing. Allele origin: germline.

GeneDx
Classification: Likely benign. Last evaluated: 2020-02-05. Review status: criteria provided, single submitter. Criteria: GeneDx Variant Classification Process June 2021. Collection method: clinical testing. Allele origin: germline. Affected: yes.

Ambry Genetics
Classification: Likely benign for Hereditary cancer-predisposing syndrome. Last evaluated: 2015-11-13. Review status: criteria provided, single submitter. Criteria: Ambry Variant Classification Scheme 2023. Collection method: clinical testing. Allele origin: germline.

NM_002691.4(POLD1):c.1464C>T (p.Asp488=)

Gene: POLD1 (DNA polymerase delta 1, catalytic subunit; plus strand). Cytogenetic location: 19q13.33.
Variant type: single nucleotide variant.
Coding change: c.1464C>T on transcript NM_002691.4 (MANE Select); coding-DNA position 1464, C replaced by T.
Protein change: p.Asp488=; no amino-acid change (aspartic acid 488 retained).
Molecular consequence: synonymous variant. On other transcripts: non-coding transcript variant (1).
Genome position (GRCh38, 1-based): chr19:50,406,487, C>T. VCF-style: chr19-50406487-C-T. GRCh37 (hg19) VCF-style: chr19-50909744-C-T.
Other names: c.1464C>T, p.Asp488= (NM_001256849.1, NM_001308632.1).
Identifiers: ClinVar variation 390709 (VCV000390709.19), dbSNP rs760263079, ClinGen allele CA16607910.